The following is an entry in ClinVar:

ClinVar aggregate classification (germline): Uncertain significance (1 of 4 stars; one submission).

Conditions:
Developmental and epileptic encephalopathy. Identifiers: MedGen C5779964, MONDO:0100620.

Allele frequency attached by ClinVar (database versions not stated): gnomAD 0.00001.

Submission:

Labcorp Genetics (formerly Invitae), Labcorp
Classification: Uncertain significance for Early-infantile DEE. Last evaluated: 2022-09-27. Review status: criteria provided, single submitter. Criteria: Invitae Variant Classification Sherloc (09022015). Collection method: clinical testing. Allele origin: germline.
Comment: In summary, the available evidence is currently insufficient to determine the role of this variant in disease. Therefore, it has been classified as a Variant of Uncertain Significance. Algorithms developed to predict the effect of missense changes on protein structure and function output the following: SIFT: "Tolerated"; PolyPhen-2: "Benign"; Align-GVGD: "Class C0". The alanine amino acid residue is found in multiple mammalian species, which suggests that this missense change does not adversely affect protein function. This variant has not been reported in the literature in individuals affected with SLC25A22-related conditions. This variant is not present in population databases (gnomAD no frequency). This sequence change replaces valine, which is neutral and non-polar, with alanine, which is neutral and non-polar, at codon 160 of the SLC25A22 protein (p.Val160Ala).

NM_001191061.2(SLC25A22):c.479T>C (p.Val160Ala)

Gene: SLC25A22 (solute carrier family 25 member 22; minus strand). Cytogenetic location: 11p15.5.
Variant type: single nucleotide variant.
Coding change: c.479T>C on transcript NM_001191061.2 (MANE Select); coding-DNA position 479, T replaced by C.
Protein change: p.Val160Ala; replaces valine 160 with alanine.
Molecular consequence: missense variant.
Genome position (GRCh38, 1-based): chr11:792,661, A>G on the plus strand (T>C on the coding strand, the complement: SLC25A22 is on the minus strand). VCF-style: chr11-792661-A-G. GRCh37 (hg19) VCF-style: chr11-792661-A-G.
Other names: c.479T>C, p.Val160Ala (NM_001191060.2, NM_024698.6); short protein forms V160A.
Identifiers: ClinVar variation 1945763 (VCV001945763.4), dbSNP rs1864592483, ClinGen allele CA378969941.